The following is an entry in ClinVar:

ClinVar aggregate classification (germline): Uncertain significance. Review status: criteria provided, multiple submitters, no conflicts (2 of 4 stars). 2 submissions from 2 submitters: Uncertain significance (2). Last evaluated 2025-02-10.

Conditions:
Hereditary cancer-predisposing syndrome. Also called: Hereditary Cancer Syndrome; Neoplastic Syndromes, Hereditary; Tumor predisposition; Hereditary neoplastic syndrome. Identifiers: Orphanet 140162, MedGen C0027672, MeSH D009386, MONDO:0015356.

Allele frequency attached by ClinVar (database versions not stated): gnomAD exomes below 0.00001.
gnomAD v4.1: 1 of 1,614,126 alleles (0.000062%); highest among the groups gnomAD compares: Non-Finnish European, 0.000085%; no homozygotes.

Submissions (2):

Ambry Genetics
Classification: Uncertain significance for Hereditary cancer-predisposing syndrome. Last evaluated: 2025-02-10. Review status: criteria provided, single submitter. Criteria: Ambry Variant Classification Scheme 2023. Collection method: clinical testing. Allele origin: germline.
Comment: The p.S279L variant (also known as c.836C>T), located in coding exon 10 of the BAP1 gene, results from a C to T substitution at nucleotide position 836. The serine at codon 279 is replaced by leucine, an amino acid with dissimilar properties. This amino acid position is not well conserved in available vertebrate species. In addition, this alteration is predicted to be tolerated by in silico analysis. Since supporting evidence is limited at this time, the clinical significance of this alteration remains unclear.

Color Diagnostics, LLC DBA Color Health
Classification: Uncertain significance for Hereditary cancer-predisposing syndrome. Last evaluated: 2019-11-06. Review status: criteria provided, single submitter. Criteria: ACMG Guidelines, 2015. Collection method: clinical testing. Allele origin: germline.
Comment: This missense variant replaces serine with leucine at codon 279 of the BAP1 protein. Computational prediction suggests that this variant may not impact protein structure and function (internally defined REVEL score threshold <= 0.5, PMID: 27666373). Splice site prediction tools suggest that this variant may not impact RNA splicing. To our knowledge, functional studies have not been performed for this variant. This variant has not been reported in individuals affected with hereditary cancer in the literature. This variant has been identified in 1/251446 chromosomes in the general population by the Genome Aggregation Database (gnomAD). The available evidence is insufficient to determine the role of this variant in disease conclusively. Therefore, this variant is classified as a Variant of Uncertain Significance.

NM_004656.4(BAP1):c.836C>T (p.Ser279Leu)

Gene: BAP1 (BRCA1 associated deubiquitinase 1; minus strand). Cytogenetic location: 3p21.1.
Variant type: single nucleotide variant.
Coding change: c.836C>T on transcript NM_004656.4 (MANE Select); coding-DNA position 836, C replaced by T.
Protein change: p.Ser279Leu; replaces serine 279 with leucine.
Molecular consequence: missense variant.
Genome position (GRCh38, 1-based): chr3:52,405,860, G>A on the plus strand (C>T on the coding strand, the complement: BAP1 is on the minus strand). VCF-style: chr3-52405860-G-A. GRCh37 (hg19) VCF-style: chr3-52439876-G-A.
Other names: c.836C>T (LRG_529t1); short protein forms S279L.
Identifiers: ClinVar variation 489647 (VCV000489647.8), dbSNP rs1553645494, ClinGen allele CA353106806.